The following is an entry in ClinVar:

ClinVar aggregate classification (germline): Uncertain significance. Review status: criteria provided, multiple submitters, no conflicts (2 of 4 stars). 3 submissions from 3 submitters: Uncertain significance (3). Last evaluated 2025-09-03.

Conditions:
Familial adenomatous polyposis 1 (FAP1). Also called: FAMILIAL ADENOMATOUS POLYPOSIS 1, ATTENUATED; POLYPOSIS, ADENOMATOUS INTESTINAL. Identifiers: MedGen C2713442, MONDO:0021056, OMIM 175100. Disease mechanism: loss of function.
Hereditary cancer-predisposing syndrome. Also called: Neoplastic Syndromes, Hereditary; Tumor predisposition; Hereditary Cancer Syndrome; Hereditary neoplastic syndrome. Identifiers: Orphanet 140162, MedGen C0027672, MeSH D009386, MONDO:0015356.

Allele frequency attached by ClinVar (database versions not stated): gnomAD exomes below 0.00001.
gnomAD v4.1: 1 of 1,613,886 alleles (0.000062%); highest among the groups gnomAD compares: Non-Finnish European, 0.000085%; no homozygotes.

Submissions (3):

Labcorp Genetics (formerly Invitae), Labcorp
Classification: Uncertain significance for Familial adenomatous polyposis 1. Last evaluated: 2025-09-03. Review status: criteria provided, single submitter. Criteria: Invitae Variant Classification Sherloc (09022015). Collection method: clinical testing. Allele origin: germline.
Comment: This sequence change replaces methionine, which is neutral and non-polar, with isoleucine, which is neutral and non-polar, at codon 2491 of the APC protein (p.Met2491Ile). This variant is not present in population databases (gnomAD no frequency). This variant has not been reported in the literature in individuals affected with APC-related conditions. ClinVar contains an entry for this variant (Variation ID: 482396). Invitae Evidence Modeling of protein sequence and biophysical properties (such as structural, functional, and spatial information, amino acid conservation, physicochemical variation, residue mobility, and thermodynamic stability) indicates that this missense variant is not expected to disrupt APC protein function with a negative predictive value of 95%. In summary, the available evidence is currently insufficient to determine the role of this variant in disease. Therefore, it has been classified as a Variant of Uncertain Significance.

Color Diagnostics, LLC DBA Color Health
Classification: Uncertain significance for Hereditary cancer-predisposing syndrome. Last evaluated: 2023-12-04. Review status: criteria provided, single submitter. Criteria: ACMG Guidelines, 2015. Collection method: clinical testing. Allele origin: germline.
Comment: This missense variant replaces methionine with isoleucine at codon 2491 of the APC protein. Computational prediction suggests that this variant may not impact protein structure and function (internally defined REVEL score threshold <= 0.5, PMID: 27666373). To our knowledge, functional studies have not been reported for this variant. This variant has not been reported in individuals affected with APC-related disorders in the literature. This variant has not been identified in the general population by the Genome Aggregation Database (gnomAD). The available evidence is insufficient to determine the role of this variant in disease conclusively. Therefore, this variant is classified as a Variant of Uncertain Significance.

Ambry Genetics
Classification: Uncertain significance for Hereditary cancer-predisposing syndrome. Last evaluated: 2023-06-20. Review status: criteria provided, single submitter. Criteria: Ambry Variant Classification Scheme 2023. Collection method: clinical testing. Allele origin: germline.
Comment: The p.M2491I variant (also known as c.7473G>A), located in coding exon 15 of the APC gene, results from a G to A substitution at nucleotide position 7473. The methionine at codon 2491 is replaced by isoleucine, an amino acid with highly similar properties. This amino acid position is highly conserved in available vertebrate species. In addition, in silico predictors for this gene do not accurately predict pathogenicity. Since supporting evidence is limited at this time, the clinical significance of this alteration remains unclear.

NM_000038.6(APC):c.7473G>A (p.Met2491Ile)

Gene: APC (APC regulator of Wnt signaling pathway; plus strand). Cytogenetic location: 5q22.2.
Variant type: single nucleotide variant.
Coding change: c.7473G>A on transcript NM_000038.6 (MANE Select); coding-DNA position 7473, G replaced by A.
Protein change: p.Met2491Ile; replaces methionine 2491 with isoleucine.
Molecular consequence: missense variant.
Genome position (GRCh38, 1-based): chr5:112,843,067, G>A. VCF-style: chr5-112843067-G-A. GRCh37 (hg19) VCF-style: chr5-112178764-G-A.
Other names: c.7473G>A, p.Met2491Ile (NM_001127510.3, NM_001354895.2); c.7419G>A, p.Met2473Ile (NM_001127511.3); c.7527G>A, p.Met2509Ile (NM_001354896.2); c.7503G>A, p.Met2501Ile (NM_001354897.2); c.7398G>A, p.Met2466Ile (NM_001354898.2); c.7389G>A, p.Met2463Ile (NM_001354899.2); c.7350G>A, p.Met2450Ile (NM_001354900.2); c.7296G>A, p.Met2432Ile (NM_001354901.2); and 5 more; short protein forms M2491I, M2473I, M2365I, M2450I, M2208I, M2331I, M2400I, M2501I.
Identifiers: ClinVar variation 482396 (VCV000482396.12), dbSNP rs1554088389, ClinGen allele CA16037587.